The following is an entry in ClinVar:

ClinVar aggregate classification (germline): Conflicting classifications of pathogenicity. Review status: criteria provided, conflicting classifications (1 of 4 stars). 5 submissions from 5 submitters: Uncertain significance (4); Likely benign (1). Last evaluated 2025-09-10.

Conditions:
Hereditary cancer-predisposing syndrome. Also called: Tumor predisposition; Hereditary neoplastic syndrome; Hereditary Cancer Syndrome; Neoplastic Syndromes, Hereditary. Identifiers: Orphanet 140162, MedGen C0027672, MeSH D009386, MONDO:0015356.
Hereditary breast ovarian cancer syndrome. Also called: Hereditary breast and/or ovarian cancer syndrome; Breast and ovarian cancer; Hereditary breast and ovarian cancer syndrome; Hereditary breast and ovarian cancer; Hereditary breast and ovarian cancer syndrome (HBOC); BRCA1- and BRCA2-Associated Hereditary Breast and Ovarian Cancer. Identifiers: Orphanet 145, MedGen C0677776, MeSH D061325, MONDO:0003582. Disease mechanism: loss of function.
Breast-ovarian cancer, familial, susceptibility to, 1 (BROVCA1). Also called: BRCA1 Hereditary Breast and Ovarian Cancer; OVARIAN CANCER, SUSCEPTIBILITY TO. Identifiers: Orphanet 145, MedGen C2676676, MONDO:0011450, OMIM 604370. Disease mechanism: loss of function.

Submissions (5):

Color Diagnostics, LLC DBA Color Health
Classification: Uncertain significance for Hereditary cancer-predisposing syndrome. Last evaluated: 2025-09-10. Review status: criteria provided, single submitter. Criteria: ACMG Guidelines, 2015. Collection method: clinical testing. Allele origin: germline.
Comment: This missense variant replaces serine with isoleucine at codon 127 of the BRCA1 protein. Computational prediction suggests that this variant may have deleterious impact on protein structure and function. To our knowledge, functional studies have not been reported for this variant. A multifactorial analysis has reached a combined likelihood ratio (LR) of 0.508 based on reported LR for co-occurrence with a pathogenic variant and personal and family history for 1 carrier. (PMID: 31853058). This variant has not been identified in the general population by the Genome Aggregation Database (gnomAD). The available evidence is insufficient to determine the role of this variant in disease conclusively. Therefore, this variant is classified as a Variant of Uncertain Significance.

Myriad Genetics, Inc.
Classification: Likely benign for Breast-ovarian cancer, familial, susceptibility to, 1. Last evaluated: 2024-09-16. Review status: criteria provided, single submitter. Criteria: Myriad Autosomal Dominant, Autosomal Recessive and X-Linked Classification Criteria (2023). Collection method: clinical testing. Allele origin: unknown.
Comment: This variant is considered likely benign. This variant is strongly associated with less severe personal and family histories of cancer, typical for individuals without pathogenic variants in this gene [PMID: 25085752].

Labcorp Genetics (formerly Invitae), Labcorp
Classification: Uncertain significance for Hereditary breast ovarian cancer syndrome. Last evaluated: 2024-04-30. Review status: criteria provided, single submitter. Criteria: Invitae Variant Classification Sherloc (09022015). Collection method: clinical testing. Allele origin: germline.
Comment: This sequence change replaces serine, which is neutral and polar, with isoleucine, which is neutral and non-polar, at codon 127 of the BRCA1 protein (p.Ser127Ile). This variant is not present in population databases (gnomAD no frequency). This variant has not been reported in the literature in individuals affected with BRCA1-related conditions. ClinVar contains an entry for this variant (Variation ID: 142655). Advanced modeling of protein sequence and biophysical properties (such as structural, functional, and spatial information, amino acid conservation, physicochemical variation, residue mobility, and thermodynamic stability) performed at Invitae indicates that this missense variant is not expected to disrupt BRCA1 protein function with a negative predictive value of 95%. In summary, the available evidence is currently insufficient to determine the role of this variant in disease. Therefore, it has been classified as a Variant of Uncertain Significance.

Ambry Genetics
Classification: Uncertain significance for Hereditary cancer-predisposing syndrome. Last evaluated: 2024-03-06. Review status: criteria provided, single submitter. Criteria: Ambry Variant Classification Scheme 2023. Collection method: clinical testing. Allele origin: germline.
Comment: The p.S127I variant (also known as c.380G>T), located in coding exon 5 of the BRCA1 gene, results from a G to T substitution at nucleotide position 380. The serine at codon 127 is replaced by isoleucine, an amino acid with dissimilar properties. This amino acid position is highly conserved in available vertebrate species. In addition, this alteration is predicted to be deleterious by in silico analysis. Since supporting evidence is limited at this time, the clinical significance of this alteration remains unclear.

All of Us Research Program, National Institutes of Health
Classification: Uncertain significance for Breast-ovarian cancer, familial, susceptibility to, 1. Last evaluated: 2023-01-10. Review status: criteria provided, single submitter. Criteria: ACMG Guidelines, 2015. Collection method: clinical testing. Allele origin: germline. Inheritance: Autosomal dominant inheritance. Observed: 1 variant allele, 1 heterozygote.
Comment: This missense variant replaces serine with isoleucine at codon 127 of the BRCA1 protein. Computational prediction suggests that this variant may have deleterious impact on protein structure and function (internally defined REVEL score threshold >= 0.7, PMID: 27666373). To our knowledge, functional studies have not been reported for this variant. This variant has not been reported in individuals affected with BRCA1-related disorders in the literature. This variant has not been identified in the general population by the Genome Aggregation Database (gnomAD). The available evidence is insufficient to determine the role of this variant in disease conclusively. Therefore, this variant is classified as a Variant of Uncertain Significance.

This study involves interpretation of variants in research participants for the purpose of population health screening. Participant phenotype was not available at the time of variant classification. Additional details can be found in publication PMID: 35346344, PMCID: PMC8962531

Literature cited by the submitters: PubMed 31853058 (cited by Color Diagnostics, LLC DBA Color Health); PubMed 25085752 (cited by Myriad Genetics, Inc.).

NM_007294.4(BRCA1):c.380G>T (p.Ser127Ile)

Gene: BRCA1 (BRCA1 DNA repair associated; minus strand). Cytogenetic location: 17q21.31.
Variant type: single nucleotide variant.
Coding change: c.380G>T on transcript NM_007294.4 (MANE Select); coding-DNA position 380, G replaced by T.
Protein change: p.Ser127Ile; replaces serine 127 with isoleucine.
Molecular consequence: missense variant. On other transcripts: 5 prime UTR variant (7), intron variant (2).
Genome position (GRCh38, 1-based): chr17:43,104,183, C>A on the plus strand (G>T on the coding strand, the complement: BRCA1 is on the minus strand). VCF-style: chr17-43104183-C-A. GRCh37 (hg19) VCF-style: chr17-41256200-C-A.
Other names: c.239G>T, p.Ser80Ile (NM_001407734.1, NM_001407735.1, NM_001407736.1 and 99 more transcripts); c.380G>T, p.Ser127Ile (NM_001407937.1, NM_001407938.1, NM_001407939.1 and 165 more transcripts); c.170G>T, p.Ser57Ile (NM_001407853.1, NM_001407884.1, NM_001407885.1 and 58 more transcripts); c.-2G>T (NM_001407959.1, NM_001407960.1, NM_001407962.1 and 4 more transcripts); c.371G>T, p.Ser124Ile (NM_001408408.1, NM_001407646.1, NM_001407647.1); c.302G>T, p.Ser101Ile (NM_001408409.1, NM_001408411.1, NM_001408412.1 and 21 more transcripts); c.-218-9323G>T (NM_001407967.1, NM_001407966.1); c.248G>T, p.Ser83Ile (NM_001408451.1); short protein forms S127I, S80I, S57I, S83I, S101I, S124I.
Identifiers: ClinVar variation 142655 (VCV000142655.20), dbSNP rs80357189, ClinGen allele CA002456.